The following is an entry in ClinVar:

NM_007194.4(CHEK2):c.1187T>C (p.Leu396Pro)

Gene: CHEK2 (checkpoint kinase 2; minus strand). Cytogenetic location: 22q12.1.
Variant type: single nucleotide variant.
Coding change: c.1187T>C on transcript NM_007194.4 (MANE Select); coding-DNA position 1187, T replaced by C.
Protein change: p.Leu396Pro; replaces leucine 396 with proline.
Molecular consequence: missense variant.
Genome position (GRCh38, 1-based): chr22:28,695,782, A>G on the plus strand (T>C on the coding strand, the complement: CHEK2 is on the minus strand). VCF-style: chr22-28695782-A-G. GRCh37 (hg19) VCF-style: chr22-29091770-A-G.
Other names: c.1316T>C, p.Leu439Pro (NM_001005735.3); c.524T>C, p.Leu175Pro (NM_001257387.3); c.986T>C, p.Leu329Pro (NM_001349956.3); c.1100T>C, p.Leu367Pro (NM_145862.3); short protein forms L329P, L439P, L175P, L367P, L396P.
Identifiers: ClinVar variation 1743846 (VCV001743846.3), dbSNP rs2145803793, ClinGen allele CA411096799.

ClinVar aggregate classification (germline): Uncertain significance (1 of 4 stars; one submission).

Conditions:
Hereditary cancer-predisposing syndrome. Also called: Hereditary Cancer Syndrome; Neoplastic Syndromes, Hereditary; Tumor predisposition; Hereditary neoplastic syndrome. Identifiers: Orphanet 140162, MedGen C0027672, MeSH D009386, MONDO:0015356.

Submission:

Ambry Genetics
Classification: Uncertain significance for Hereditary cancer-predisposing syndrome. Last evaluated: 2023-03-02. Review status: criteria provided, single submitter. Criteria: Ambry Variant Classification Scheme 2023. Collection method: clinical testing. Allele origin: germline.
Comment: The p.L396P variant (also known as c.1187T>C), located in coding exon 10 of the CHEK2 gene, results from a T to C substitution at nucleotide position 1187. The leucine at codon 396 is replaced by proline, an amino acid with similar properties. This amino acid position is well conserved in available vertebrate species. In addition, this alteration is predicted to be deleterious by in silico analysis. Since supporting evidence is limited at this time, the clinical significance of this alteration remains unclear.